The following is an entry in ClinVar:

ClinVar aggregate classification (germline): Uncertain significance. Review status: criteria provided, multiple submitters, no conflicts (2 of 4 stars). 2 submissions from 2 submitters: Uncertain significance (2). Last evaluated 2022-07-23.

Allele frequency attached by ClinVar (database versions not stated): gnomAD exomes below 0.00001; ExAC 0.00001.
gnomAD v4.1: 7 of 1,614,166 alleles (0.00043%); highest among the groups gnomAD compares: Non-Finnish European, 0.00059%; no homozygotes.

Submissions (2):

Labcorp Genetics (formerly Invitae), Labcorp
Classification: Uncertain significance. Last evaluated: 2022-07-23. Review status: criteria provided, single submitter. Criteria: Invitae Variant Classification Sherloc (09022015). Collection method: clinical testing. Allele origin: germline.
Comment: In summary, the available evidence is currently insufficient to determine the role of this variant in disease. Therefore, it has been classified as a Variant of Uncertain Significance. Advanced modeling of protein sequence and biophysical properties (such as structural, functional, and spatial information, amino acid conservation, physicochemical variation, residue mobility, and thermodynamic stability) performed at Invitae indicates that this missense variant is not expected to disrupt CDHR1 protein function. ClinVar contains an entry for this variant (Variation ID: 1025085). This variant has not been reported in the literature in individuals affected with CDHR1-related conditions. This variant is present in population databases (rs751497482, gnomAD 0.0009%). This sequence change replaces tryptophan, which is neutral and slightly polar, with arginine, which is basic and polar, at codon 725 of the CDHR1 protein (p.Trp725Arg).

Blueprint Genetics
Classification: Uncertain significance. Last evaluated: 2018-11-28. Review status: criteria provided, single submitter. Criteria: ACMG Guidelines, 2015. Collection method: clinical testing. Allele origin: germline.

NM_033100.4(CDHR1):c.2173T>C (p.Trp725Arg)

Gene: CDHR1 (cadherin related family member 1; plus strand). Cytogenetic location: 10q23.1.
Variant type: single nucleotide variant.
Coding change: c.2173T>C on transcript NM_033100.4 (MANE Select); coding-DNA position 2173, T replaced by C.
Protein change: p.Trp725Arg; replaces tryptophan 725 with arginine.
Molecular consequence: missense variant. On other transcripts: intron variant (1).
Genome position (GRCh38, 1-based): chr10:84,214,214, T>C. VCF-style: chr10-84214214-T-C. GRCh37 (hg19) VCF-style: chr10-85973970-T-C.
Other names: c.2040+866T>C (NM_001171971.3); short protein forms W725R.
Identifiers: ClinVar variation 1025085 (VCV001025085.11), dbSNP rs751497482, ClinGen allele CA5580160.